The following is an entry in ClinVar:

ClinVar aggregate classification (germline): Conflicting classifications of pathogenicity. Review status: criteria provided, conflicting classifications (1 of 4 stars). 2 submissions from 2 submitters: Likely pathogenic (1); Uncertain significance (1). Last evaluated 2022-05-19.

Submissions (2):

GeneDx
Classification: Uncertain significance. Last evaluated: 2022-05-19. Review status: criteria provided, single submitter. Criteria: GeneDx Variant Classification Process June 2021. Collection method: clinical testing. Allele origin: germline. Affected: yes.
Comment: Not observed at significant frequency in large population cohorts (gnomAD); Frameshift variant predicted to result in protein truncation as the last 20 amino acids are replaced with 3 different amino acids, although loss-of-function variants have not been reported downstream of this position in the protein; Has not been previously published as pathogenic or benign to our knowledge

Institute of Medical Genetics and Applied Genomics, University Hospital Tübingen
Classification: Likely pathogenic. Last evaluated: 2020-10-23. Review status: criteria provided, single submitter. Criteria: ACMG Guidelines, 2015. Collection method: clinical testing. Allele origin: germline. Inheritance: Autosomal dominant inheritance. Affected: yes.

NM_017635.5(KMT5B):c.2597_2598del (p.Ser866fs)

Gene: KMT5B (lysine methyltransferase 5B; minus strand). Cytogenetic location: 11q13.2.
Variant type: Microsatellite.
Coding change: c.2597_2598del on transcript NM_017635.5 (MANE Select); coding-DNA positions 2597 to 2598, 2 bases deleted (CT; older notation c.2597_2598delCT).
Protein change: p.Ser866fs; shifts the reading frame from serine 866.
Molecular consequence: frameshift variant.
Genome position (GRCh38, 1-based): chr11:68,157,748-68,157,749, AG deleted on the plus strand (CT on the coding strand, the reverse complement: KMT5B is on the minus strand); deleting any 2 consecutive bases within chr11:68,157,748-68,157,751 gives the same sequence; the c. name uses the placement nearest the transcript's 3' end. VCF-style (leftmost placement, unchanged base first): chr11-68157747-TAG-T. GRCh37 (hg19) VCF-style: chr11-67925214-TAG-T.
Other names: c.2081_2082del, p.Ser694fs (NM_001300907.1, NM_001369428.1, NM_001369429.1 and 4 more transcripts); c.1877_1878del, p.Ser626fs (NM_001300908.2); c.2597_2598del, p.Ser866fs (NM_001369426.1); short protein forms S626fs, S694fs, S866fs.
Identifiers: ClinVar variation 986964 (VCV000986964.4), dbSNP rs888239971, ClinGen allele CA224247741.